The following is an entry in ClinVar:

ClinVar aggregate classification (germline): Uncertain significance (1 of 4 stars; one submission).

Conditions:
Microcephaly-intellectual disability-sensorineural hearing loss-epilepsy-abnormal muscle tone syndrome (NEDHSB). Also called: NEURODEVELOPMENTAL DISORDER WITH HEARING LOSS, SEIZURES, AND BRAIN ABNORMALITIES. Identifiers: Orphanet 457351, MedGen C4225276, MONDO:0014698, OMIM 616577.

Allele frequency attached by ClinVar (database versions not stated): gnomAD exomes below 0.00001; TOPMed below 0.00001.
gnomAD v4.1: 1 of 1,614,210 alleles (0.000062%); highest among the groups gnomAD compares: Non-Finnish European, 0.000085%; no homozygotes.

Submission:

Labcorp Genetics (formerly Invitae), Labcorp
Classification: Uncertain significance for Microcephaly-intellectual disability-sensorineural hearing loss-epilepsy-abnormal muscle tone syndrome. Last evaluated: 2022-05-19. Review status: criteria provided, single submitter. Criteria: Invitae Variant Classification Sherloc (09022015). Collection method: clinical testing. Allele origin: germline.
Comment: This sequence change replaces glycine, which is neutral and non-polar, with serine, which is neutral and polar, at codon 288 of the SPATA5 protein (p.Gly288Ser). This variant is not present in population databases (gnomAD no frequency). This variant has not been reported in the literature in individuals affected with SPATA5-related conditions. Advanced modeling of protein sequence and biophysical properties (such as structural, functional, and spatial information, amino acid conservation, physicochemical variation, residue mobility, and thermodynamic stability) performed at Invitae indicates that this missense variant is not expected to disrupt SPATA5 protein function. In summary, the available evidence is currently insufficient to determine the role of this variant in disease. Therefore, it has been classified as a Variant of Uncertain Significance.

NM_145207.3(AFG2A):c.862G>A (p.Gly288Ser)

Gene: AFG2A (AAA ATPase AFG2A; plus strand). Cytogenetic location: 4q28.1.
Variant type: single nucleotide variant.
Coding change: c.862G>A on transcript NM_145207.3 (MANE Select); coding-DNA position 862, G replaced by A.
Protein change: p.Gly288Ser; replaces glycine 288 with serine.
Molecular consequence: missense variant.
Genome position (GRCh38, 1-based): chr4:122,934,453, G>A. VCF-style: chr4-122934453-G-A. GRCh37 (hg19) VCF-style: chr4-123855608-G-A.
Other names: c.859G>A, p.Gly287Ser (NM_001317799.2, NM_001345856.2); short protein forms G288S, G287S.
Identifiers: ClinVar variation 1360773 (VCV001360773.7), dbSNP rs1728947765, ClinGen allele CA358102252.
Genomic context (GRCh38, chr4:122,934,453, plus strand): 5'-TTGCTGGATGTTACACAGAGCCCTGGAGATGGCAGTGGACTTATGCTAGAGGAAGTCACA[G>A]GTCTTAAATGTAATTTTGAATCTGCCAGAGAAGGAAATGAGCAACTTACTGAAGAAGAGA-3'
Protein context (NP_660208.2, residues 278-298): GSGLMLEEVT[Gly288Ser]LKCNFESARE